The following is an entry in ClinVar:

NM_175914.5(HNF4A):c.381G>A (p.Leu127=)

Gene: HNF4A (hepatocyte nuclear factor 4 alpha; plus strand). Cytogenetic location: 20q13.12.
Variant type: single nucleotide variant.
Coding change: c.381G>A on transcript NM_175914.5 (MANE Select); coding-DNA position 381, G replaced by A.
Protein change: p.Leu127=; no amino-acid change (leucine 127 retained).
Molecular consequence: synonymous variant.
Genome position (GRCh38, 1-based): chr20:44,413,755, G>A. VCF-style: chr20-44413755-G-A. GRCh37 (hg19) VCF-style: chr20-43042395-G-A.
Other names: c.381G>A (NM_175914.3); c.447G>A, p.Leu149= (NM_000457.6, NM_178849.3, NM_178850.3); c.381G>A, p.Leu127= (NM_001030003.3, NM_001030004.3); c.426G>A, p.Leu142= (NM_001258355.2); c.372G>A, p.Leu124= (NM_001287182.2, NM_001287183.2, NM_001287184.2).
Identifiers: ClinVar variation 36350 (VCV000036350.19), dbSNP rs193922473, ClinGen allele CA213936.
Genomic context (GRCh38, chr20:44,413,755, plus strand): 5'-CGTCCAGAATGAGCGGGACCGGATCAGCACTCGAAGGTCAAGCTATGAGGACAGCAGCCT[G>A]CCCTCCATCAATGCGCTCCTGCAGGCGGAGGTCCTGTCCCGACAGGTACCGGGGTGATCC-3'
Protein context (NP_787110.2, residues 117-137): TRRSSYEDSS[Leu127=]PSINALLQAE

ClinVar aggregate classification (germline): Conflicting classifications of pathogenicity. Review status: criteria provided, conflicting classifications (1 of 4 stars). 8 submissions from 7 submitters: Uncertain significance (2); Benign (1); Likely benign (5). Last evaluated 2023-12-22.

Conditions:
Maturity-onset diabetes of the young (MODY). Also called: Maturity onset diabetes mellitus in young. Identifiers: Orphanet 552, MedGen C0342276, MONDO:0018911, HP:0004904.
Familial hyperinsulinism. Also called: Congenital hyperinsulinism. Identifiers: Orphanet 276525, MedGen C3888018, MONDO:0017182. Disease mechanism: loss of function.
Maturity-onset diabetes of the young type 1. Also called: MILD JUVENILE DIABETES MELLITUS; MODY, type I; MODY type 1; Diabetes mellitus MODY type 1; MODY HNF4A related; HNF4A-Related Maturity-Onset Diabetes of the Young Type 1. Identifiers: Orphanet 552, MedGen C1852093, MONDO:0007452, OMIM 125850. Disease mechanism: loss of function.

Allele frequency attached by ClinVar (database versions not stated): TOPMed 0.00012; ExAC 0.00015; gnomAD exomes 0.00012; ESP Exome Variant Server 0.00015; gnomAD 0.00006.
gnomAD v4.1: 165 of 1,613,864 alleles (0.01%); highest among the groups gnomAD compares: Middle Eastern, 0.016%; no homozygotes.

Submissions (8):

Labcorp Genetics (formerly Invitae), Labcorp
Classification: Likely benign. Last evaluated: 2023-12-22. Review status: criteria provided, single submitter. Criteria: Invitae Variant Classification Sherloc (09022015). Collection method: clinical testing. Allele origin: germline.

Ambry Genetics
Classification: Likely benign for Maturity-onset diabetes of the young. Last evaluated: 2023-11-12. Review status: criteria provided, single submitter. Criteria: Ambry Variant Classification Scheme 2023. Collection method: clinical testing. Allele origin: germline.

Blueprint Genetics
Classification: Likely benign. Last evaluated: 2023-10-20. Review status: criteria provided, single submitter. Criteria: ACMG Guidelines, 2015. Collection method: clinical testing. Allele origin: germline.

Illumina Laboratory Services, Illumina
Classification: Uncertain significance for Maturity-onset diabetes of the young type 1. Last evaluated: 2018-01-13. Review status: criteria provided, single submitter. Criteria: ICSL Variant Classification Criteria 13 December 2019. Collection method: clinical testing. Allele origin: germline.

Illumina Laboratory Services, Illumina
Classification: Uncertain significance for Familial hyperinsulinism. Last evaluated: 2018-01-13. Review status: criteria provided, single submitter. Criteria: ICSL Variant Classification Criteria 13 December 2019. Collection method: clinical testing. Allele origin: germline.

Genetic Services Laboratory, University of Chicago
Classification: Likely benign. Last evaluated: 2017-11-01. Review status: criteria provided, single submitter. Criteria: ACMG Guidelines, 2015. Collection method: clinical testing. Allele origin: germline. Affected: no.

Women's Health and Genetics/Laboratory Corporation of America, LabCorp
Classification: Likely benign for MODY1. Last evaluated: 2011-08-18. Review status: criteria provided, single submitter. Criteria: LabCorp Variant Classification Summary - May 2015. Collection method: curation, clinical testing. Allele origin: germline. Inheritance: autosomal unknown. Affected: yes.
ClinVar note: Converted during submission from likely benign to Likely benign.

Clinical Genomics, Uppaluri K&H Personalized Medicine Clinic
Classification: Benign for Maturity-onset diabetes of the young. Review status: criteria provided, single submitter. Criteria: K & H Uppaluri Personalized Medicine Clinic Variant Classification & Assertion Criteria_Updated V.1. Collection method: research. Allele origin: unknown. Inheritance: Autosomal dominant inheritance.
Comment: Potent mutations in HNF4A are associated with poor insulin secretion in response to hyperglycemia. Associated with MODY1. Patients initially respond well to sulfonylureas but eventually become insulin dependent. However, more evidence is required to ascertain the role of this particular variant rs193922473 in MODY, yet.

Literature cited by the submitters: DOI 10.1159/000334532 (cited by Clinical Genomics, Uppaluri K&H Personalized Medicine Clinic); PubMed 18268044 (cited by Clinical Genomics, Uppaluri K&H Personalized Medicine Clinic); PubMed 17563455 (cited by Clinical Genomics, Uppaluri K&H Personalized Medicine Clinic); PubMed 32583173 (cited by Clinical Genomics, Uppaluri K&H Personalized Medicine Clinic); PubMed 35052457 (cited by Clinical Genomics, Uppaluri K&H Personalized Medicine Clinic); PubMed 35118593 (cited by Clinical Genomics, Uppaluri K&H Personalized Medicine Clinic).